The following is an entry in ClinVar:

NM_003126.4(SPTA1):c.7039G>C (p.Glu2347Gln)

Gene: SPTA1 (spectrin alpha, erythrocytic 1; minus strand). Cytogenetic location: 1q23.1.
Variant type: single nucleotide variant.
Coding change: c.7039G>C on transcript NM_003126.4 (MANE Select); coding-DNA position 7039, G replaced by C.
Protein change: p.Glu2347Gln; replaces glutamic acid 2347 with glutamine.
Molecular consequence: missense variant.
Genome position (GRCh38, 1-based): chr1:158,612,912, C>G on the plus strand (G>C on the coding strand, the complement: SPTA1 is on the minus strand). VCF-style: chr1-158612912-C-G. GRCh37 (hg19) VCF-style: chr1-158582702-C-G.
Other names: short protein forms E2347Q.
Identifiers: ClinVar variation 4856142 (VCV004856142.1).

ClinVar aggregate classification (germline): Uncertain significance (1 of 4 stars; one submission).

Conditions:
SPTA1-related disorder. Also called: SPTA1-related condition; SPTA1-related disorders.

gnomAD v4.1: 4 of 1,613,926 alleles (0.00025%); highest among the groups gnomAD compares: South Asian, 0.0033%; no homozygotes.

Submission:

3billion
Classification: Uncertain significance for SPTA1-related disorder. Last evaluated: 2025-12-16. Review status: criteria provided, single submitter. Criteria: ACMG Guidelines, 2015. Collection method: clinical testing. Allele origin: germline. Affected: yes.
Comment: The variant is observed at an extremely low frequency in the gnomAD v4.1.0 dataset (total allele frequency: <0.001%). Predicted Consequence/Location: Missense variant Damaging effect on gene or gene product predicted by in silico programs is uncertain [REVEL: 0.23 (damaging >=0.6, benign <0.4), 3Cnet: 0.29 (damaging >0.75, benign <0.1)]. Different missense changes at the same codon have been reported as of uncertain significance (ClinVar ID: VCV003766727). Therefore, this variant is classified as VUS according to the recommendation of ACMG/AMP guideline.